The following is an entry in ClinVar:

NM_001372.4(DNAH9):c.8159T>C (p.Val2720Ala)

Gene: DNAH9 (dynein axonemal heavy chain 9; plus strand). Cytogenetic location: 17p12.
Variant type: single nucleotide variant.
Coding change: c.8159T>C on transcript NM_001372.4 (MANE Select); coding-DNA position 8159, T replaced by C.
Protein change: p.Val2720Ala; replaces valine 2720 with alanine.
Molecular consequence: missense variant.
Genome position (GRCh38, 1-based): chr17:11,793,600, T>C. VCF-style: chr17-11793600-T-C. GRCh37 (hg19) VCF-style: chr17-11696917-T-C.
Other names: short protein forms V2720A.
Identifiers: ClinVar variation 2976643 (VCV002976643.5), dbSNP rs1257839289, ClinGen allele CA398194804.
Genomic context (GRCh38, chr17:11,793,600, plus strand): 5'-CATGGGATCTTATAAGGCTCTATCTGCATGAATCAAATCGAGTTTATCGGGATAAGATGG[T>C]AGAAGAAAAGGACTTTGATCTTTTTGATAAAATCCAGACAGAAGTGCTCAAGAAAACTTT-3'
Protein context (NP_001363.2, residues 2710-2730): ESNRVYRDKM[Val2720Ala]EEKDFDLFDK

ClinVar aggregate classification (germline): Uncertain significance. Review status: criteria provided, multiple submitters, no conflicts (2 of 4 stars). 3 submissions from 2 submitters: Uncertain significance (3). Last evaluated 2025-09-10.

Conditions:
Ciliary dyskinesia, primary, 40. Also called: CILIARY DYSKINESIA, PRIMARY, 40, WITH OR WITHOUT SITUS INVERSUS. Identifiers: MedGen C4749028, MONDO:0032664, OMIM 618300.
Sinoatrial node dysfunction and deafness (SANDD). Identifiers: Orphanet 324321, MedGen C3554018, MONDO:0013960, OMIM 614896.

Allele frequency attached by ClinVar (database versions not stated): gnomAD exomes below 0.00001; TOPMed below 0.00001.
gnomAD v4.1: 6 of 1,613,920 alleles (0.00037%); highest among the groups gnomAD compares: African/African-American, 0.0027%; no homozygotes.

Submissions (3):

Genomic Medicine Center of Excellence, King Faisal Specialist Hospital and Research Centre
Classification: Uncertain significance for Ciliary dyskinesia, primary, 40. Last evaluated: 2025-09-10. Review status: criteria provided, single submitter. Criteria: ACMG Guidelines, 2015. Collection method: clinical testing. Allele origin: germline.

Genomic Medicine Center of Excellence, King Faisal Specialist Hospital and Research Centre
Classification: Uncertain significance for Sinoatrial node dysfunction and deafness. Last evaluated: 2024-12-17. Review status: criteria provided, single submitter. Criteria: ACMG Guidelines, 2015. Collection method: clinical testing. Allele origin: germline.

Labcorp Genetics (formerly Invitae), Labcorp
Classification: Uncertain significance. Last evaluated: 2023-07-10. Review status: criteria provided, single submitter. Criteria: Invitae Variant Classification Sherloc (09022015). Collection method: clinical testing. Allele origin: germline.
Comment: This sequence change replaces valine, which is neutral and non-polar, with alanine, which is neutral and non-polar, at codon 2720 of the DNAH9 protein (p.Val2720Ala). This variant is present in population databases (no rsID available, gnomAD 0.009%). This variant has not been reported in the literature in individuals affected with DNAH9-related conditions. In summary, the available evidence is currently insufficient to determine the role of this variant in disease. Therefore, it has been classified as a Variant of Uncertain Significance. Advanced modeling of protein sequence and biophysical properties (such as structural, functional, and spatial information, amino acid conservation, physicochemical variation, residue mobility, and thermodynamic stability) performed at Invitae indicates that this missense variant is not expected to disrupt DNAH9 protein function.